The following is an entry in ClinVar:

NC_000008.10:g.(43048987_43052090)_(43057999_?)dup

Gene: HGSNAT (heparan-alpha-glucosaminide N-acetyltransferase; plus strand). Cytogenetic location: 8p11.21.
Variant type: Duplication.
Identifiers: ClinVar variation 4847958 (VCV004847958.1).

ClinVar aggregate classification (germline): Uncertain significance (1 of 4 stars; one submission).

Submission:

Women's Health and Genetics/Laboratory Corporation of America, LabCorp
Classification: Uncertain significance. Last evaluated: 2026-02-09. Review status: criteria provided, single submitter. Criteria: LabCorp Variant Classification Summary - May 2015. Collection method: clinical testing. Allele origin: germline.
Comment: Variant summary: The variant involves the duplication of exons 15-18 in the HGSNAT gene. The exact breakpoint at the 3' end of this variant is unknown, therefore this duplication may extend downstream of the annotated region of the gene. As it duplicates the termination codon, its effect on the encoded protein is unknown. A presumed nomenclature of c.(1464+1_1465-1)_(*3287_?)dup has been designated for the purposes of this classification. The variant was absent in 21694 control chromosomes. The available data on variant occurrences in the general population are insufficient to allow any conclusion about variant significance. To our knowledge, no occurrence of c.(1464+1_1465-1)_(*3287_?)dup in individuals affected with HGSNAT-related conditions and no experimental evidence demonstrating its impact on protein function have been reported. ClinVar contains an entry for this variant (Variation ID: 2427382). Based on the evidence outlined above, the variant was classified as uncertain significance.